The following is an entry in ClinVar:

ClinVar aggregate classification (germline): Pathogenic. Review status: criteria provided, multiple submitters, no conflicts (2 of 4 stars). 2 submissions from 2 submitters: Pathogenic (2). Last evaluated 2024-09-19.

Conditions:
Marfan syndrome (MFS). Also called: Marfan's syndrome; Marfan syndrome, classic; MARFAN SYNDROME, TYPE I; Marfan syndrome type 1; FBN1-Related Marfan Syndrome. Identifiers: Orphanet 284963, Orphanet 558, MedGen C0024796, MONDO:0007947, OMIM 154700.
Connective tissue disorder. Also called: Connective tissue disease. Identifiers: MedGen C0009782, MONDO:0003900.

Submissions (2):

Greenwood Genetic Center Diagnostic Laboratories, Greenwood Genetic Center
Classification: Pathogenic for Marfan syndrome. Last evaluated: 2024-09-19. Review status: criteria provided, single submitter. Criteria: ACMG Guidelines, 2015. Collection method: clinical testing. Allele origin: germline. Affected: yes.
Comment: PVS1, PS4_Supporting, PM2, PM6

Genome Diagnostics Laboratory, The Hospital for Sick Children
Classification: Pathogenic for Connective tissue disorder. Last evaluated: 2020-08-17. Review status: criteria provided, single submitter. Criteria: ACMG Guidelines, 2015. Collection method: clinical testing. Allele origin: germline.

NM_000138.5(FBN1):c.7429C>T (p.Gln2477Ter)

Gene: FBN1 (fibrillin 1; minus strand). Cytogenetic location: 15q21.1.
Variant type: single nucleotide variant.
Coding change: c.7429C>T on transcript NM_000138.5 (MANE Select); coding-DNA position 7429, C replaced by T.
Protein change: p.Gln2477Ter; replaces glutamine 2477 with a stop codon.
Molecular consequence: nonsense.
Genome position (GRCh38, 1-based): chr15:48,425,393, G>A on the plus strand (C>T on the coding strand, the complement: FBN1 is on the minus strand). VCF-style: chr15-48425393-G-A. GRCh37 (hg19) VCF-style: chr15-48717590-G-A.
Other names: short protein forms Q2477*.
Identifiers: ClinVar variation 1702405 (VCV001702405.4), dbSNP rs2141226269, ClinGen allele CA392327659.